The following is an entry in ClinVar:

ClinVar aggregate classification (germline): Uncertain significance (1 of 4 stars; one submission).

Conditions:
Hereditary cancer-predisposing syndrome. Also called: Neoplastic Syndromes, Hereditary; Tumor predisposition; Hereditary Cancer Syndrome; Hereditary neoplastic syndrome. Identifiers: Orphanet 140162, MedGen C0027672, MeSH D009386, MONDO:0015356.

Submission:

Ambry Genetics
Classification: Uncertain significance for Hereditary cancer-predisposing syndrome. Last evaluated: 2022-03-04. Review status: criteria provided, single submitter. Criteria: Ambry Variant Classification Scheme 2023. Collection method: clinical testing. Allele origin: germline.
Comment: The p.K245R variant (also known as c.734A>G), located in coding exon 2 of the HOXB13 gene, results from an A to G substitution at nucleotide position 734. The lysine at codon 245 is replaced by arginine, an amino acid with highly similar properties. This amino acid position is conserved. In addition, this alteration is predicted to be deleterious by in silico analysis. Since supporting evidence is limited at this time, the clinical significance of this alteration remains unclear.

NM_006361.6(HOXB13):c.734A>G (p.Lys245Arg)

Gene: HOXB13 (homeobox B13; minus strand). Cytogenetic location: 17q21.32.
Variant type: single nucleotide variant.
Coding change: c.734A>G on transcript NM_006361.6 (MANE Select); coding-DNA position 734, A replaced by G.
Protein change: p.Lys245Arg; replaces lysine 245 with arginine.
Molecular consequence: missense variant.
Genome position (GRCh38, 1-based): chr17:48,726,911, T>C on the plus strand (A>G on the coding strand, the complement: HOXB13 is on the minus strand). VCF-style: chr17-48726911-T-C. GRCh37 (hg19) VCF-style: chr17-46804273-T-C.
Other names: short protein forms K245R.
Identifiers: ClinVar variation 1758437 (VCV001758437.2), dbSNP rs2509513034, ClinGen allele CA400106193.